The following is an entry in ClinVar:

ClinVar aggregate classification (germline): Conflicting classifications of pathogenicity. Review status: criteria provided, conflicting classifications (1 of 4 stars). 2 submissions from 2 submitters: Uncertain significance (1); Likely benign (1). Last evaluated 2018-12-29.

Conditions:
Hereditary cancer-predisposing syndrome. Also called: Tumor predisposition; Hereditary neoplastic syndrome; Neoplastic Syndromes, Hereditary; Hereditary Cancer Syndrome. Identifiers: Orphanet 140162, MedGen C0027672, MeSH D009386, MONDO:0015356.

gnomAD v4.1: 1 of 1,599,186 alleles (0.000063%); highest among the groups gnomAD compares: Non-Finnish European, 0.000086%; no homozygotes.

Submissions (2):

Color Diagnostics, LLC DBA Color Health
Classification: Uncertain significance for Hereditary cancer-predisposing syndrome. Last evaluated: 2018-12-29. Review status: criteria provided, single submitter. Criteria: ACMG Guidelines, 2015. Collection method: clinical testing. Allele origin: germline.

GeneDx
Classification: Likely benign. Last evaluated: 2015-12-05. Review status: criteria provided, single submitter. Criteria: GeneDx Variant Classification (06012015). Collection method: clinical testing. Allele origin: germline. Affected: yes.
Comment: This variant is considered likely benign or benign based on one or more of the following criteria: it is a conservative change, it occurs at a poorly conserved position in the protein, it is predicted to be benign by multiple in silico algorithms, and/or has population frequency not consistent with disease.

NM_000179.3(MSH6):c.*10A>G

Gene: MSH6 (mutS homolog 6; plus strand). Cytogenetic location: 2p16.3.
Variant type: single nucleotide variant.
Coding change: c.*10A>G on transcript NM_000179.3 (MANE Select); 10 bases downstream of the stop codon, A replaced by G.
Molecular consequence: 3 prime UTR variant.
Genome position (GRCh38, 1-based): chr2:47,806,870, A>G. VCF-style: chr2-47806870-A-G. GRCh37 (hg19) VCF-style: chr2-48034009-A-G.
Other names: c.*10A>G (NM_001281492.2, NM_001281493.2, NM_001281494.2).
Identifiers: ClinVar variation 378969 (VCV000378969.4), dbSNP rs757778351, ClinGen allele CA16604210.
Genomic context (GRCh38, chr2:47,806,870, plus strand): 5'-GTAGATGCTGAAGCTGTCCATAAATTGCTGACTTTGATTAAGGAATTATAGACTGACTAC[A>G]TTGGAAGCTTTGAGTTGACTTCTGACAAAGGTGGTAAATTCAGACAACATTATGATCTAA-3'